The following is an entry in ClinVar:

NM_006258.4(PRKG1):c.961A>G (p.Ile321Val)

Gene: PRKG1 (protein kinase cGMP-dependent 1; plus strand). Cytogenetic location: 10q21.1.
Variant type: single nucleotide variant.
Coding change: c.961A>G on transcript NM_006258.4 (MANE Select); coding-DNA position 961, A replaced by G.
Protein change: p.Ile321Val; replaces isoleucine 321 with valine.
Molecular consequence: missense variant. On other transcripts: 5 prime UTR variant (1).
Genome position (GRCh38, 1-based): chr10:52,133,865, A>G. VCF-style: chr10-52133865-A-G. GRCh37 (hg19) VCF-style: chr10-53893625-A-G.
Other names: c.916A>G, p.Ile306Val (NM_001098512.3); c.-249A>G (NM_001374781.1); short protein forms I321V, I306V.
Identifiers: ClinVar variation 3938226 (VCV003938226.1).

ClinVar aggregate classification (germline): Uncertain significance (1 of 4 stars; one submission).

Conditions:
Familial thoracic aortic aneurysm and aortic dissection (TAAD). Also called: Thoracic aortic aneurysms and dissections. Identifiers: Orphanet 91387, MedGen C4707243, MONDO:0019625.

gnomAD v4.1: 2 of 1,613,234 alleles (0.00012%); highest among the groups gnomAD compares: Non-Finnish European, 0.00017%; no homozygotes.

Submission:

Ambry Genetics
Classification: Uncertain significance for Familial thoracic aortic aneurysm and aortic dissection. Last evaluated: 2025-04-23. Review status: criteria provided, single submitter. Criteria: Ambry Variant Classification Scheme 2023. Collection method: clinical testing. Allele origin: germline.
Comment: The p.I321V variant (also known as c.961A>G), located in coding exon 8 of the PRKG1 gene, results from an A to G substitution at nucleotide position 961. The isoleucine at codon 321 is replaced by valine, an amino acid with highly similar properties. This amino acid position is conserved. In addition, the in silico prediction for this alteration is inconclusive. Based on the available evidence, the clinical significance of this variant remains unclear.